The following is an entry in ClinVar:

ClinVar aggregate classification (germline): Uncertain significance (1 of 4 stars; one submission).

Conditions:
Cardiovascular phenotype. Identifiers: MedGen CN230736.
Hereditary cancer-predisposing syndrome. Also called: Tumor predisposition; Hereditary Cancer Syndrome; Neoplastic Syndromes, Hereditary; Hereditary neoplastic syndrome. Identifiers: Orphanet 140162, MedGen C0027672, MeSH D009386, MONDO:0015356.

Submission:

Ambry Genetics
Classification: Uncertain significance for Cardiovascular phenotype; Hereditary cancer-predisposing syndrome. Last evaluated: 2020-11-18. Review status: criteria provided, single submitter. Criteria: Ambry Variant Classification Scheme 2023. Collection method: clinical testing. Allele origin: germline.
Comment: The p.G885A variant (also known as c.2654G>C), located in coding exon 21 of the NF1 gene, results from a G to C substitution at nucleotide position 2654. The glycine at codon 885 is replaced by alanine, an amino acid with similar properties. This amino acid position is well conserved in available vertebrate species. In addition, the in silico prediction for this alteration is inconclusive. Since supporting evidence is limited at this time, the clinical significance of this alteration remains unclear.

NM_001042492.3(NF1):c.2654G>C (p.Gly885Ala)

Gene: NF1 (neurofibromin 1; plus strand). Cytogenetic location: 17q11.2.
Variant type: single nucleotide variant.
Coding change: c.2654G>C on transcript NM_001042492.3 (MANE Select); coding-DNA position 2654, G replaced by C.
Protein change: p.Gly885Ala; replaces glycine 885 with alanine.
Molecular consequence: missense variant.
Genome position (GRCh38, 1-based): chr17:31,229,269, G>C. VCF-style: chr17-31229269-G-C. GRCh37 (hg19) VCF-style: chr17-29556287-G-C.
Other names: c.2654G>C, p.Gly885Ala (NM_000267.4); short protein forms G885A.
Identifiers: ClinVar variation 1794358 (VCV001794358.2), dbSNP rs2508186205, ClinGen allele CA398984750.